The following is an entry in ClinVar:

NM_016156.6(MTMR2):c.1402G>C (p.Asp468His)

Gene: MTMR2 (myotubularin related protein 2; minus strand). Cytogenetic location: 11q21.
Variant type: single nucleotide variant.
Coding change: c.1402G>C on transcript NM_016156.6 (MANE Select); coding-DNA position 1402, G replaced by C.
Protein change: p.Asp468His; replaces aspartic acid 468 with histidine.
Molecular consequence: missense variant.
Genome position (GRCh38, 1-based): chr11:95,841,694, C>G on the plus strand (G>C on the coding strand, the complement: MTMR2 is on the minus strand). VCF-style: chr11-95841694-C-G. GRCh37 (hg19) VCF-style: chr11-95574858-C-G.
Other names: c.1186G>C, p.Asp396His (NM_001243571.2, NM_201278.3, NM_201281.3); short protein forms D468H, D396H.
Identifiers: ClinVar variation 241075 (VCV000241075.13), dbSNP rs142460913, ClinGen allele CA6239997.

ClinVar aggregate classification (germline): Uncertain significance. Review status: criteria provided, multiple submitters, no conflicts (2 of 4 stars). 5 submissions from 5 submitters: Uncertain significance (5). Last evaluated 2025-01-14.

Conditions:
Inborn genetic diseases. Identifiers: MedGen C0950123, MeSH D030342.
Charcot-Marie-Tooth disease. Also called: Charcot-Marie-Tooth Neuropathy; Charcot-Marie-Tooth Hereditary Neuropathy. Identifiers: Orphanet 166, MedGen C0007959, MONDO:0015626.
Charcot-Marie-Tooth disease type 4. Also called: Charcot-Marie-Tooth, Type 4; Charcot-Marie-Tooth disease, type IV. Identifiers: Orphanet 64749, MedGen C4082197, MONDO:0018995.

Allele frequency attached by ClinVar (database versions not stated): gnomAD exomes 0.00002 and 0.00017; ExAC 0.00003; gnomAD 0.00007 and 0.00008; ESP Exome Variant Server 0.00008; TOPMed 0.00008.
gnomAD v4.1: 260 of 1,612,958 alleles (0.016%); highest among the groups gnomAD compares: Non-Finnish European, 0.021%; no homozygotes.

Submissions (5):

Athena Diagnostics
Classification: Uncertain significance. Last evaluated: 2025-01-14. Review status: criteria provided, single submitter. Criteria: Athena Diagnostics Criteria. Collection method: clinical testing. Allele origin: unknown.
Comment: Available data are insufficient to determine the clinical significance of the variant at this time. The frequency of this variant in the general population is uninformative in assessment of its pathogenicity. Polyphen and MutationTaster yielded discordant predictions regarding whether this amino acid change is damaging to the protein.

Mayo Clinic Laboratories, Mayo Clinic
Classification: Uncertain significance. Last evaluated: 2024-05-28. Review status: criteria provided, single submitter. Criteria: ACMG Guidelines, 2015. Collection method: clinical testing. Allele origin: germline. Observed: 1 variant allele.
Comment: PP3, PM2_moderate

Ambry Genetics
Classification: Uncertain significance for Inborn genetic diseases. Last evaluated: 2022-06-14. Review status: criteria provided, single submitter. Criteria: Ambry Variant Classification Scheme 2023. Collection method: clinical testing. Allele origin: germline.
Comment: The p.D468H variant (also known as c.1402G>C), located in coding exon 12 of the MTMR2 gene, results from a G to C substitution at nucleotide position 1402. The aspartic acid at codon 468 is replaced by histidine, an amino acid with similar properties. This amino acid position is highly conserved in available vertebrate species. In addition, the in silico prediction for this variant is inconclusive. Since supporting evidence is limited at this time, the clinical significance of this variant remains unclear.

Labcorp Genetics (formerly Invitae), Labcorp
Classification: Uncertain significance for Charcot-Marie-Tooth disease type 4. Last evaluated: 2022-04-01. Review status: criteria provided, single submitter. Criteria: Invitae Variant Classification Sherloc (09022015). Collection method: clinical testing. Allele origin: germline.
Comment: This sequence change replaces aspartic acid, which is acidic and polar, with histidine, which is basic and polar, at codon 468 of the MTMR2 protein (p.Asp468His). This variant is present in population databases (rs142460913, gnomAD 0.006%). This variant has not been reported in the literature in individuals affected with MTMR2-related conditions. ClinVar contains an entry for this variant (Variation ID: 241075). Algorithms developed to predict the effect of missense changes on protein structure and function are either unavailable or do not agree on the potential impact of this missense change (SIFT: "Deleterious"; PolyPhen-2: "Benign"; Align-GVGD: "Class C65"). In summary, the available evidence is currently insufficient to determine the role of this variant in disease. Therefore, it has been classified as a Variant of Uncertain Significance.

Molecular Genetics Laboratory, London Health Sciences Centre
Classification: Uncertain significance for Charcot-Marie-Tooth disease. Review status: criteria provided, single submitter. Criteria: ACMG Guidelines, 2015. Collection method: clinical testing. Allele origin: germline. Affected: yes.